The following is an entry in ClinVar:

NM_004006.3(DMD):c.10238del (p.Ile3413fs)

Gene: DMD (dystrophin; minus strand). Cytogenetic location: Xp21.2.
Variant type: Deletion.
Coding change: c.10238del on transcript NM_004006.3 (MANE Select); coding-DNA position 10238, one base deleted (T; older notation c.10238delT).
Protein change: p.Ile3413fs; shifts the reading frame from isoleucine 3413.
Molecular consequence: frameshift variant. On other transcripts: intron variant (5).
Genome position (GRCh38, 1-based): chrX:31,177,956, A deleted on the plus strand (T on the coding strand, the reverse complement: DMD is on the minus strand). VCF-style (leftmost placement, unchanged base first): chrX-31177955-GA-G. GRCh37 (hg19) VCF-style: chrX-31196072-GA-G.
Other names: c.10238delT (NM_004006.2); c.10214del, p.Ile3405fs (NM_000109.4); c.10226del, p.Ile3409fs (NM_004009.3); c.9869del, p.Ile3290fs (NM_004010.3); c.6215del, p.Ile2072fs (NM_004011.4); c.6206del, p.Ile2069fs (NM_004012.4); c.2858del, p.Ile953fs (NM_004013.3, NM_004021.3); c.2051del, p.Ile684fs (NM_004014.3); and 3 more; short protein forms I2069fs, I345fs, I684fs, I2072fs, I3290fs, I3413fs, I3405fs, I3409fs.
Identifiers: ClinVar variation 455853 (VCV000455853.11), dbSNP rs1556035795, ClinGen allele CA658658946.

ClinVar aggregate classification (germline): Pathogenic (1 of 4 stars; one submission).

Conditions:
Duchenne muscular dystrophy (DMD). Also called: MUSCULAR DYSTROPHY, PSEUDOHYPERTROPHIC PROGRESSIVE, DUCHENNE TYPE; Duchenne Muscular Dystrophy (DMD). Identifiers: Orphanet 98896, MedGen C0013264, MONDO:0010679, OMIM 310200.

Submission:

Labcorp Genetics (formerly Invitae), Labcorp
Classification: Pathogenic for Duchenne muscular dystrophy. Last evaluated: 2024-10-18. Review status: criteria provided, single submitter. Criteria: Invitae Variant Classification Sherloc (09022015). Collection method: clinical testing. Allele origin: germline.
Comment: This sequence change creates a premature translational stop signal (p.Ile3413Thrfs*6) in the DMD gene. It is expected to result in an absent or disrupted protein product. Loss-of-function variants in DMD are known to be pathogenic (PMID: 16770791, 25007885). In addition, truncating variants in exon 71 (p.Pro3409Tyr*22, p.Thr3411Asn*22, and p.Leu3412Argfs*7) that result in partial in-frame exon skipping have been observed in individuals with clinical features of mild Becker muscular dystrophy (PMID: 17041906, 23536893). This variant is not present in population databases (gnomAD no frequency). This premature translational stop signal has been observed in individual(s) with clinical features of DMD-related conditions (internal data). ClinVar contains an entry for this variant (Variation ID: 455853). For these reasons, this variant has been classified as Pathogenic.

Literature cited by the submitters: PubMed 16770791; PubMed 25007885; PubMed 17041906; PubMed 23536893.